The following is an entry in ClinVar:

ClinVar aggregate classification (germline): Likely pathogenic. Review status: criteria provided, multiple submitters, no conflicts (2 of 4 stars). 2 submissions from 2 submitters: Likely pathogenic (2). Last evaluated 2025-08-26.

Conditions:
Neurodegeneration with brain iron accumulation 2B. Also called: NEUROAXONAL DYSTROPHY, ATYPICAL; NEURODEGENERATION WITH BRAIN IRON ACCUMULATION, PLA2G6-RELATED; aNAD; atypical Neuroaxonal Dystrophy (aNAD). Identifiers: Orphanet 35069, MedGen C1857747, MONDO:0012444, OMIM 610217.

Submissions (2):

3billion
Classification: Likely pathogenic for Neurodegeneration with brain iron accumulation 2B. Last evaluated: 2025-08-26. Review status: criteria provided, single submitter. Criteria: ACMG Guidelines, 2015. Collection method: clinical testing. Allele origin: germline. Affected: yes.
Comment: The variant is not observed in the gnomAD v4.1.0 dataset. Predicted Consequence/Location: Missense variant In silico tool predictions suggest damaging effect of the variant on gene or gene product [3Cnet: 0.97 (> 0.75, sensitivity 0.96 and precision 0.92)]. The same nucleotide change resulting in the same amino acid change has been previously reported to be associated with PLA2G6-related disorder (ClinVar ID: VCV001701438). A different missense change at the same codon (p.Ala341Thr) has been reported as pathogenic/likely pathogenic with strong evidence (ClinVar ID: VCV000987077 /PMID: 16783378). Therefore, this variant is classified as Likely pathogenic according to the recommendation of ACMG/AMP guideline.

CeGaT Center for Human Genetics Tuebingen
Classification: Likely pathogenic. Last evaluated: 2022-07-01. Review status: criteria provided, single submitter. Criteria: CeGaT Center For Human Genetics Tuebingen Variant Classification Criteria Version 2. Collection method: clinical testing. Allele origin: germline. Affected: yes. Observed: 1 variant allele.
Comment: PLA2G6: PM1, PM2, PM5, PM3:Supporting

Literature cited by the submitters: PubMed 16783378 (cited by 3billion).

NM_003560.4(PLA2G6):c.1022C>A (p.Ala341Asp)

Gene: PLA2G6 (phospholipase A2 group VI; minus strand). Cytogenetic location: 22q13.1.
Variant type: single nucleotide variant.
Coding change: c.1022C>A on transcript NM_003560.4 (MANE Select); coding-DNA position 1022, C replaced by A.
Protein change: p.Ala341Asp; replaces alanine 341 with aspartic acid.
Molecular consequence: missense variant.
Genome position (GRCh38, 1-based): chr22:38,132,886, G>T on the plus strand (C>A on the coding strand, the complement: PLA2G6 is on the minus strand). VCF-style: chr22-38132886-G-T. GRCh37 (hg19) VCF-style: chr22-38528893-G-T.
Other names: c.1022C>A, p.Ala341Asp (NM_001004426.3, NM_001199562.3, NM_001349864.2 and 2 more transcripts); c.488C>A, p.Ala163Asp (NM_001349867.2, NM_001349869.2); c.344C>A, p.Ala115Asp (NM_001349868.2); short protein forms A115D, A163D, A341D.
Identifiers: ClinVar variation 1701438 (VCV001701438.31), dbSNP rs1030529431, ClinGen allele CA411530722.